The following is an entry in ClinVar:

NM_000492.4(CFTR):c.1465_1469del (p.Ser489fs)

Genes: CFTR (CF transmembrane conductance regulator; plus strand), CFTR-AS1 (CFTR antisense RNA 1; minus strand). Cytogenetic location: 7q31.2.
Variant type: Deletion.
Coding change: c.1465_1469del on transcript NM_000492.4 (MANE Select); coding-DNA positions 1465 to 1469, 5 bases deleted (TCATT; older notation c.1465_1469delTCATT).
Protein change: p.Ser489fs; shifts the reading frame from serine 489.
Molecular consequence: frameshift variant.
Genome position (GRCh38, 1-based): chr7:117,559,536-117,559,540, TCATT deleted; deleting any 5 consecutive bases within chr7:117,559,533-117,559,540 gives the same sequence; the c. name uses the placement nearest the transcript's 3' end. VCF-style (leftmost placement, unchanged base first): chr7-117559532-AATTTC-A. GRCh37 (hg19) VCF-style: chr7-117199586-AATTTC-A.
Other names: c.1465_1469delTCATT (NM_000492.3, NM_000492.4); short protein forms S489fs.
Identifiers: ClinVar variation 1438022 (VCV001438022.9), dbSNP rs2115937855, ClinGen allele CA2573141542.

ClinVar aggregate classification (germline): Pathogenic/Likely pathogenic. Review status: criteria provided, multiple submitters, no conflicts (2 of 4 stars). 4 submissions from 4 submitters: Pathogenic (2); Likely pathogenic (2). Last evaluated 2024-10-07.

Conditions:
CFTR-related disorder (CFTR-RD). Also called: CFTR-related disorders; CFTR-related condition. Identifiers: MedGen C5924204, MONDO:7770004.
Bronchiectasis with or without elevated sweat chloride 1 (BESC1). Also called: Cystic Fibrosis-Like Syndrome. Identifiers: Orphanet 60033, MedGen C2749757, MONDO:0008887, OMIM 211400.
Cystic fibrosis (CF). Also called: MUCOVISCIDOSIS. Identifiers: Orphanet 586, MedGen C0010674, MONDO:0009061, OMIM 219700. Disease mechanism: loss of function.

Submissions (4):

Natera, Inc.
Classification: Likely pathogenic for CFTR-related disorders. Last evaluated: 2024-10-07. Review status: criteria provided, single submitter. Criteria: Natera Variant Classification Schema (03/2026). Collection method: clinical testing. Allele origin: germline.
Comment: The c.1465_1469delTCATT variant in CFTR is a frameshift variant predicted to shift the reading frame beginning at codon 489 and leads to a stop codon 13 codons downstream. This variant may result in a truncated or dysfunctional protein product. This variant is rare in the general population with a frequency below the threshold expected for the associated phenotype(s). Given the available evidence, this variant is classified as Likely Pathogenic.

Women's Health and Genetics/Laboratory Corporation of America, LabCorp
Classification: Pathogenic for Cystic fibrosis. Last evaluated: 2024-04-22. Review status: criteria provided, single submitter. Criteria: LabCorp Variant Classification Summary - May 2015. Collection method: clinical testing. Allele origin: germline.
Comment: Variant summary: CFTR c.1465_1469delTCATT (p.Ser489LeufsX13) results in a premature termination codon, predicted to cause a truncation of the encoded protein or absence of the protein due to nonsense mediated decay, which are commonly known mechanisms for disease. The variant was absent in 251326 control chromosomes. To our knowledge, no occurrence of c.1465_1469delTCATT in individuals affected with Cystic Fibrosis and no experimental evidence demonstrating its impact on protein function have been reported. ClinVar contains an entry for this variant (Variation ID: 1438022). Based on the evidence outlined above, the variant was classified as pathogenic.

Baylor Genetics
Classification: Likely pathogenic for Bronchiectasis with or without elevated sweat chloride 1. Last evaluated: 2023-10-25. Review status: criteria provided, single submitter. Criteria: ACMG Guidelines, 2015. Collection method: clinical testing. Allele origin: unknown.

Labcorp Genetics (formerly Invitae), Labcorp
Classification: Pathogenic for Cystic fibrosis. Last evaluated: 2022-08-10. Review status: criteria provided, single submitter. Criteria: Invitae Variant Classification Sherloc (09022015). Collection method: clinical testing. Allele origin: germline.
Comment: For these reasons, this variant has been classified as Pathogenic. ClinVar contains an entry for this variant (Variation ID: 1438022). This variant has not been reported in the literature in individuals affected with CFTR-related conditions. This variant is not present in population databases (gnomAD no frequency). This sequence change creates a premature translational stop signal (p.Ser489Leufs*13) in the CFTR gene. It is expected to result in an absent or disrupted protein product. Loss-of-function variants in CFTR are known to be pathogenic (PMID: 1695717, 7691345, 9725922).

Literature cited by the submitters: PubMed 1695717 (cited by Labcorp Genetics (formerly Invitae), Labcorp); PubMed 7691345 (cited by Labcorp Genetics (formerly Invitae), Labcorp); PubMed 9725922 (cited by Labcorp Genetics (formerly Invitae), Labcorp).